The following is an entry in ClinVar:

NM_201384.3(PLEC):c.1264-15G>A

Gene: PLEC (plectin; minus strand). Cytogenetic location: 8q24.3.
Variant type: single nucleotide variant.
Coding change: c.1264-15G>A on transcript NM_201384.3 (MANE Select); 15 bases into the intron before coding-DNA position 1264, G replaced by A.
Molecular consequence: intron variant.
Genome position (GRCh38, 1-based): chr8:143,933,366, C>T on the plus strand (G>A on the coding strand, the complement: PLEC is on the minus strand). VCF-style: chr8-143933366-C-T. GRCh37 (hg19) VCF-style: chr8-145007534-C-T.
Other names: c.1345-15G>A (NM_000445.5); c.1222-15G>A (NM_201378.4); c.1198-15G>A (NM_201379.3); c.1675-15G>A (NM_201380.4); c.1168-15G>A (NM_201381.3); c.1264-15G>A (NM_201382.4); c.1276-15G>A (NM_201383.3).
Identifiers: ClinVar variation 227018 (VCV000227018.18), dbSNP rs7003580, ClinGen allele CA4928036.
Genomic context (GRCh38, chr8:143,933,366, plus strand): 5'-CCCCCGCCCGCTGTGGCACTTTGCCTGCAGCCAGCAGCCGGACATCCTGCAAGGTCGTTG[C>T]CATGACTCGGAGCACAGCTGATCCCCCTCTGACCTCACAGGGGCCCCGGCCAAGACGGCC-3'

ClinVar aggregate classification (germline): Benign. Review status: criteria provided, multiple submitters, no conflicts (2 of 4 stars). 10 submissions from 6 submitters: Benign (10). Last evaluated 2026-02-04.

Conditions:
Autosomal recessive limb-girdle muscular dystrophy type 2Q (LGMDR17). Also called: MUSCULAR DYSTROPHY, LIMB-GIRDLE, AUTOSOMAL RECESSIVE 17. Identifiers: Orphanet 254361, MedGen C3150989, MONDO:0013390, OMIM 613723.
Epidermolysis bullosa simplex, Ogna type (EBS5A). Also called: Pidermolysis bullosa simplex 5A, Ogna type; EPIDERMOLYSIS BULLOSA SIMPLEX 5A, OGNA TYPE. Identifiers: Orphanet 79401, MedGen C0432317, MONDO:0007555, OMIM 131950.
Epidermolysis bullosa simplex 5C, with pyloric atresia (EBS5C). Also called: PLEC-Related Epidermolysis Bullosa with Pyloric Atresia; Epidermolysis bullosa simplex with pyloric atresia; PLEC1-Related Epidermolysis Bullosa with Pyloric Atresia. Identifiers: Orphanet 158684, MedGen C2677349, MONDO:0012807, OMIM 612138.
Epidermolysis bullosa simplex 5B, with muscular dystrophy (EBS5B). Also called: Epidermolysis bullosa simplex with muscular dystrophy; EPIDERMOLYSIS BULLOSA SIMPLEX AND LIMB-GIRDLE MUSCULAR DYSTROPHY. Identifiers: Orphanet 257, MedGen C2931072, MONDO:0009181, OMIM 226670.
Epidermolysis bullosa simplex with nail dystrophy (EBS5D). Identifiers: MedGen C4225309, MONDO:0014661, OMIM 616487.

Allele frequency attached by ClinVar (database versions not stated): gnomAD exomes 0.37272 and 0.39510; ExAC 0.38044; 1000 Genomes Project 0.39836; 1000 Genomes Project 30x 0.40740; gnomAD 0.44948 and 0.45916; TOPMed 0.45160; ESP Exome Variant Server 0.46712.
gnomAD v4.1: 643,818 of 1,607,214 alleles (40%); highest among the groups gnomAD compares: African/African-American, 64%; 133,456 homozygotes.

Submissions (10):

Labcorp Genetics (formerly Invitae), Labcorp
Classification: Benign for Autosomal recessive limb-girdle muscular dystrophy type 2Q; Epidermolysis bullosa simplex, Ogna type; Epidermolysis bullosa simplex with nail dystrophy; Epidermolysis bullosa simplex 5C, with pyloric atresia; Epidermolysis bullosa simplex 5B, with muscular dystrophy. Last evaluated: 2026-02-04. Review status: criteria provided, single submitter. Criteria: Invitae Variant Classification Sherloc (09022015). Collection method: clinical testing. Allele origin: germline.

Genome-Nilou Lab
Classification: Benign for Epidermolysis bullosa simplex with nail dystrophy. Last evaluated: 2021-10-25. Review status: criteria provided, single submitter. Criteria: ACMG Guidelines, 2015. Collection method: clinical testing. Allele origin: germline. Affected: no.

Genome-Nilou Lab
Classification: Benign for Epidermolysis bullosa simplex, Ogna type. Last evaluated: 2021-10-25. Review status: criteria provided, single submitter. Criteria: ACMG Guidelines, 2015. Collection method: clinical testing. Allele origin: germline. Affected: no.

Genome-Nilou Lab
Classification: Benign for Epidermolysis bullosa simplex 5B, with muscular dystrophy. Last evaluated: 2021-10-25. Review status: criteria provided, single submitter. Criteria: ACMG Guidelines, 2015. Collection method: clinical testing. Allele origin: germline. Affected: no.

Genome-Nilou Lab
Classification: Benign for Epidermolysis bullosa simplex 5C, with pyloric atresia. Last evaluated: 2021-10-25. Review status: criteria provided, single submitter. Criteria: ACMG Guidelines, 2015. Collection method: clinical testing. Allele origin: germline. Affected: no.

Genome-Nilou Lab
Classification: Benign for Autosomal recessive limb-girdle muscular dystrophy type 2Q. Last evaluated: 2021-10-25. Review status: criteria provided, single submitter. Criteria: ACMG Guidelines, 2015. Collection method: clinical testing. Allele origin: germline. Affected: no.

GeneDx
Classification: Benign. Last evaluated: 2015-03-03. Review status: criteria provided, single submitter. Criteria: GeneDx Variant Classification Process June 2021. Collection method: clinical testing. Allele origin: germline. Affected: yes.

Laboratory for Molecular Medicine, Mass General Brigham Personalized Medicine
Classification: Benign. Last evaluated: 2014-11-24. Review status: criteria provided, single submitter. Criteria: LMM Criteria. Collection method: clinical testing. Allele origin: germline. Observed: 9 variant alleles.
Comment: 1675-15G>A in intron 12 of PLEC: This variant is not expected to have clinical s ignificance because it has been identified in 39.5% (3350/8484) of European Amer ican chromosomes from a broad population by the NHLBI Exome Sequencing Project (dbSNP rs7003580).

Breakthrough Genomics
Classification: Benign. Review status: criteria provided, single submitter. Criteria: ACMG Guidelines, 2015. Collection method: not provided. Allele origin: germline. Inheritance: Autosomal recessive inheritance. Affected: yes.

PreventionGenetics, part of Exact Sciences
Classification: Benign. Review status: criteria provided, single submitter. Criteria: ACMG Guidelines, 2015. Collection method: clinical testing. Allele origin: germline.